The following is an entry in ClinVar:

NM_177924.5(ASAH1):c.*695C>T

Gene: ASAH1 (N-acylsphingosine amidohydrolase 1; minus strand). Cytogenetic location: 8p22.
Variant type: single nucleotide variant.
Coding change: c.*695C>T on transcript NM_177924.5 (MANE Select); 695 bases downstream of the stop codon, C replaced by T.
Molecular consequence: 3 prime UTR variant.
Genome position (GRCh38, 1-based): chr8:18,056,839, G>A on the plus strand (C>T on the coding strand, the complement: ASAH1 is on the minus strand). VCF-style: chr8-18056839-G-A. GRCh37 (hg19) VCF-style: chr8-17914348-G-A.
Other names: c.*695C>T (NM_001127505.3, NM_001363743.2, NM_004315.6).
Identifiers: ClinVar variation 362358 (VCV000362358.6), dbSNP rs403910, ClinGen allele CA10625080.

ClinVar aggregate classification (germline): Benign. Review status: criteria provided, multiple submitters, no conflicts (2 of 4 stars). 2 submissions from 2 submitters: Benign (2). Last evaluated 2018-01-13.

Conditions:
Farber lipogranulomatosis (FRBRL). Also called: Farber's lipogranulomatosis; Farber's disease; Farber disease; AC DEFICIENCY; ACID CERAMIDASE DEFICIENCY; CERAMIDASE DEFICIENCY. Identifiers: Orphanet 333, MedGen C0268255, MONDO:0009218, OMIM 228000.

Allele frequency attached by ClinVar (database versions not stated): gnomAD 0.06921 and 0.06926; TOPMed 0.07318; 1000 Genomes Project 0.07967; 1000 Genomes Project 30x 0.08432.

Submissions (2):

Illumina Laboratory Services, Illumina
Classification: Benign for Farber lipogranulomatosis. Last evaluated: 2018-01-13. Review status: criteria provided, single submitter. Criteria: ICSL Variant Classification Criteria 13 December 2019. Collection method: clinical testing. Allele origin: germline.
Comment: This variant was observed in the ICSL laboratory as part of a predisposition screen in an ostensibly healthy population. It had not been previously curated by ICSL or reported in the Human Gene Mutation Database (HGMD: prior to June 1st, 2018), and was therefore a candidate for classification through an automated scoring system. Utilizing variant allele frequency, disease prevalence and penetrance estimates, and inheritance mode, an automated score was calculated to assess if this variant is too frequent to cause the disease. Based on the score and internal cut-off values, a variant classified as benign is not then subjected to further curation. The score for this variant resulted in a classification of benign for this disease.

Breakthrough Genomics
Classification: Benign. Review status: criteria provided, single submitter. Criteria: ACMG Guidelines, 2015. Collection method: not provided. Allele origin: germline. Inheritance: Autosomal recessive inheritance. Affected: yes.